The following is an entry in ClinVar:

ClinVar aggregate classification (germline): Uncertain significance (1 of 4 stars; one submission).

Conditions:
Developmental and epileptic encephalopathy, 42 (DEE42A). Also called: Epileptic encephalopathy, early infantile, 42; DEVELOPMENTAL AND EPILEPTIC ENCEPHALOPATHY 42A; EPILEPTIC ENCEPHALOPATHY, EARLY INFANTILE, 42A. Identifiers: MedGen C4310716, MONDO:0014917, OMIM 617106.
Episodic ataxia type 2 (EA2). Also called: ACETAZOLAMIDE-RESPONSIVE HEREDITARY PAROXYSMAL CEREBELLAR ATAXIA; ATAXIA, EPISODIC, WITH NYSTAGMUS; ATAXIA, FAMILIAL PAROXYSMAL; CEREBELLAR ATAXIA, PAROXYSMAL, ACETAZOLAMIDE-RESPONSIVE; CEREBELLOPATHY, HEREDITARY PAROXYSMAL; EPISODIC ATAXIA, NYSTAGMUS-ASSOCIATED. Identifiers: Orphanet 97, MedGen C1720416, MONDO:0007163, OMIM 108500.

Submission:

Labcorp Genetics (formerly Invitae), Labcorp
Classification: Uncertain significance for Developmental and epileptic encephalopathy, 42; Episodic ataxia type 2. Last evaluated: 2020-03-18. Review status: criteria provided, single submitter. Criteria: Invitae Variant Classification Sherloc (09022015). Collection method: clinical testing. Allele origin: germline.
Comment: In summary, the available evidence is currently insufficient to determine the role of this variant in disease. Therefore, it has been classified as a Variant of Uncertain Significance. Algorithms developed to predict the effect of missense changes on protein structure and function are either unavailable or do not agree on the potential impact of this missense change (SIFT: "Deleterious"; PolyPhen-2: "Probably Damaging"; Align-GVGD: "Class C0"). This variant has been observed in individual(s) with hemiplegic migraine (PMID: 26814174). This variant is also known as c.1822C>T (Leu608Phe) in the literature. This variant is not present in population databases (ExAC no frequency). This sequence change replaces leucine with phenylalanine at codon 608 of the CACNA1A protein (p.Leu608Phe). The leucine residue is highly conserved and there is a small physicochemical difference between leucine and phenylalanine.

Literature cited by the submitters: PubMed 26814174.

NM_001127222.2(CACNA1A):c.1819C>T (p.Leu607Phe)

Gene: CACNA1A (calcium voltage-gated channel subunit alpha1 A; minus strand). Cytogenetic location: 19p13.13.
Variant type: single nucleotide variant.
Coding change: c.1819C>T on transcript NM_001127222.2 (MANE Select); coding-DNA position 1819, C replaced by T.
Protein change: p.Leu607Phe; replaces leucine 607 with phenylalanine.
Molecular consequence: missense variant.
Genome position (GRCh38, 1-based): chr19:13,308,214, G>A on the plus strand (C>T on the coding strand, the complement: CACNA1A is on the minus strand). VCF-style: chr19-13308214-G-A. GRCh37 (hg19) VCF-style: chr19-13419028-G-A.
Other names: c.1822C>T, p.Leu608Phe (NM_000068.4, NM_001127221.2, NM_001174080.2 and 1 more transcripts); short protein forms L607F, L608F.
Identifiers: ClinVar variation 1006191 (VCV001006191.9), dbSNP rs2057947991, ClinGen allele CA404344921.